The following is an entry in ClinVar:

ClinVar aggregate classification (germline): Uncertain significance. Review status: criteria provided, multiple submitters, no conflicts (2 of 4 stars). 5 submissions from 5 submitters: Uncertain significance (5). Last evaluated 2025-09-23.

Conditions:
Birt-Hogg-Dube syndrome. Also called: Birt Hogg Dubé syndrome. Identifiers: Orphanet 122, MedGen C0346010, MONDO:0800444.
Colorectal cancer. Also called: Colorectal cancer, somatic; Malignant Colorectal Neoplasm. Identifiers: MedGen C0346629, MONDO:0005575, OMIM 114500.
Familial spontaneous pneumothorax (PSP). Identifiers: Orphanet 2903, MedGen C1868193, MONDO:0008259, OMIM 173600.
Nonpapillary renal cell carcinoma. Identifiers: Orphanet 422526, MedGen CN074294, MONDO:0007763, OMIM 144700.
Birt-Hogg-Dube syndrome 1 (BHD1). Also called: FIBROFOLLICULOMAS WITH TRICHODISCOMAS AND ACROCHORDONS. Identifiers: Orphanet 122, MedGen CN375946, MONDO:0800445, OMIM 135150.
Hereditary cancer-predisposing syndrome. Also called: Hereditary neoplastic syndrome; Tumor predisposition; Neoplastic Syndromes, Hereditary; Hereditary Cancer Syndrome. Identifiers: Orphanet 140162, MedGen C0027672, MeSH D009386, MONDO:0015356.

Allele frequency attached by ClinVar (database versions not stated): gnomAD exomes below 0.00001 and 0.00001; ExAC 0.00001; TOPMed 0.00001; ESP Exome Variant Server 0.00008.
gnomAD v4.1: 4 of 1,612,636 alleles (0.00025%); highest among the groups gnomAD compares: Non-Finnish European, 0.00025%; no homozygotes.

Submissions (5):

Labcorp Genetics (formerly Invitae), Labcorp
Classification: Uncertain significance for Birt-Hogg-Dube syndrome. Last evaluated: 2025-09-23. Review status: criteria provided, single submitter. Criteria: Invitae Variant Classification Sherloc (09022015). Collection method: clinical testing. Allele origin: germline.
Comment: This sequence change replaces valine, which is neutral and non-polar, with alanine, which is neutral and non-polar, at codon 151 of the FLCN protein (p.Val151Ala). This variant is present in population databases (rs373794943, gnomAD 0.002%). This variant has not been reported in the literature in individuals affected with FLCN-related conditions. ClinVar contains an entry for this variant (Variation ID: 953881). Invitae Evidence Modeling of protein sequence and biophysical properties (such as structural, functional, and spatial information, amino acid conservation, physicochemical variation, residue mobility, and thermodynamic stability) has been performed for this missense variant. However, the output from this modeling did not meet the statistical confidence thresholds required to predict the impact of this variant on FLCN protein function. In summary, the available evidence is currently insufficient to determine the role of this variant in disease. Therefore, it has been classified as a Variant of Uncertain Significance.

Quest Diagnostics Nichols Institute San Juan Capistrano
Classification: Uncertain significance. Last evaluated: 2025-08-17. Review status: criteria provided, single submitter. Criteria: Quest Diagnostics criteria. Collection method: clinical testing. Allele origin: unknown.
Comment: The FLCN c.452T>C (p.Val151Ala) variant has not been reported in individuals with FLCN-related conditions in the published literature. The frequency of this variant in the general population (Genome Aggregation Database) is uninformative in the assessment of its pathogenicity. Analysis of this variant using bioinformatics tools for the prediction of the effect of amino acid changes on protein structure and function yielded predictions that this variant is damaging. Based on the available information, we are unable to determine the clinical significance of this variant.

Ambry Genetics
Classification: Uncertain significance for Hereditary cancer-predisposing syndrome. Last evaluated: 2024-04-24. Review status: criteria provided, single submitter. Criteria: Ambry Variant Classification Scheme 2023. Collection method: clinical testing. Allele origin: germline.
Comment: The p.V151A variant (also known as c.452T>C), located in coding exon 3 of the FLCN gene, results from a T to C substitution at nucleotide position 452. The valine at codon 151 is replaced by alanine, an amino acid with similar properties. This amino acid position is highly conserved in available vertebrate species. In addition, this alteration is predicted to be deleterious by in silico analysis. Since supporting evidence is limited at this time, the clinical significance of this alteration remains unclear.

Fulgent Genetics
Classification: Uncertain significance for Colorectal cancer; Birt-Hogg-Dube syndrome 1; Nonpapillary renal cell carcinoma; Familial spontaneous pneumothorax. Last evaluated: 2024-02-01. Review status: criteria provided, single submitter. Criteria: ACMG Guidelines, 2015. Collection method: clinical testing. Allele origin: germline.

GeneDx
Classification: Uncertain significance. Last evaluated: 2023-07-03. Review status: criteria provided, single submitter. Criteria: GeneDx Variant Classification Process June 2021. Collection method: clinical testing. Allele origin: germline. Affected: yes.
Comment: Not observed at significant frequency in large population cohorts (gnomAD); In silico analysis supports that this missense variant has a deleterious effect on protein structure/function; Has not been previously published as pathogenic or benign to our knowledge

NM_144997.7(FLCN):c.452T>C (p.Val151Ala)

Gene: FLCN (folliculin; minus strand). Cytogenetic location: 17p11.2.
Variant type: single nucleotide variant.
Coding change: c.452T>C on transcript NM_144997.7 (MANE Select); coding-DNA position 452, T replaced by C.
Protein change: p.Val151Ala; replaces valine 151 with alanine.
Molecular consequence: missense variant.
Genome position (GRCh38, 1-based): chr17:17,224,088, A>G on the plus strand (T>C on the coding strand, the complement: FLCN is on the minus strand). VCF-style: chr17-17224088-A-G. GRCh37 (hg19) VCF-style: chr17-17127402-A-G.
Other names: c.506T>C, p.Val169Ala (NM_001353229.2); c.452T>C, p.Val151Ala (NM_001353230.2, NM_001353231.2, NM_144606.7); c.452T>C (NM_144997.6); short protein forms V151A, V169A.
Identifiers: ClinVar variation 953881 (VCV000953881.13), dbSNP rs373794943, ClinGen allele CA8416394.